The following is an entry in ClinVar:

ClinVar aggregate classification (germline): Uncertain significance. Review status: criteria provided, multiple submitters, no conflicts (2 of 4 stars). 4 submissions from 4 submitters: Uncertain significance (4). Last evaluated 2025-12-04.

Conditions:
LAMB1-related disorder. Also called: LAMB1-related condition.

Allele frequency attached by ClinVar (database versions not stated): gnomAD exomes 0.00006; TOPMed 0.00007; ExAC 0.00008; gnomAD 0.00009 and 0.00012; 1000 Genomes Project 30x 0.00016; 1000 Genomes Project 0.00020.
gnomAD v4.1: 101 of 1,614,090 alleles (0.0063%); highest among the groups gnomAD compares: Middle Eastern, 0.033%; no homozygotes.

Submissions (4):

PreventionGenetics, part of Exact Sciences
Classification: Uncertain significance for LAMB1-related condition. Last evaluated: 2025-12-04. Review status: criteria provided, single submitter. Criteria: ACMG Guidelines, 2015. Collection method: clinical testing. Allele origin: germline.
Comment: The LAMB1 c.4562T>C variant is predicted to result in the amino acid substitution p.Ile1521Thr. To our knowledge, this variant has not been reported in the literature. This variant is reported in 0.016% of alleles in individuals of South Asian descent in gnomAD. At this time, the clinical significance of this variant is uncertain due to the absence of conclusive functional and genetic evidence.

Labcorp Genetics (formerly Invitae), Labcorp
Classification: Uncertain significance. Last evaluated: 2025-11-10. Review status: criteria provided, single submitter. Criteria: Invitae Variant Classification Sherloc (09022015). Collection method: clinical testing. Allele origin: germline.
Comment: This sequence change replaces isoleucine, which is neutral and non-polar, with threonine, which is neutral and polar, at codon 1521 of the LAMB1 protein (p.Ile1521Thr). This variant is present in population databases (rs199646967, gnomAD 0.02%). This variant has not been reported in the literature in individuals affected with LAMB1-related conditions. ClinVar contains an entry for this variant (Variation ID: 435717). An algorithm developed to predict the effect of missense changes on protein structure and function (PolyPhen-2) suggests that this variant is likely to be disruptive. In summary, the available evidence is currently insufficient to determine the role of this variant in disease. Therefore, it has been classified as a Variant of Uncertain Significance.

Blueprint Genetics
Classification: Uncertain significance. Last evaluated: 2024-06-12. Review status: criteria provided, single submitter. Criteria: ACMG Guidelines, 2015. Collection method: clinical testing. Allele origin: germline.

Genetic Services Laboratory, University of Chicago
Classification: Uncertain significance. Last evaluated: 2016-08-02. Review status: criteria provided, single submitter. Criteria: ACMG Guidelines, 2015. Collection method: clinical testing. Allele origin: germline. Affected: no.

NM_002291.3(LAMB1):c.4562T>C (p.Ile1521Thr)

Gene: LAMB1 (laminin subunit beta 1; minus strand). Cytogenetic location: 7q31.1.
Variant type: single nucleotide variant.
Coding change: c.4562T>C on transcript NM_002291.3 (MANE Select); coding-DNA position 4562, T replaced by C.
Protein change: p.Ile1521Thr; replaces isoleucine 1521 with threonine.
Molecular consequence: missense variant.
Genome position (GRCh38, 1-based): chr7:107,929,595, A>G on the plus strand (T>C on the coding strand, the complement: LAMB1 is on the minus strand). VCF-style: chr7-107929595-A-G. GRCh37 (hg19) VCF-style: chr7-107570040-A-G.
Other names: short protein forms I1521T.
Identifiers: ClinVar variation 435717 (VCV000435717.13), dbSNP rs199646967, ClinGen allele CA4434996.